The following is an entry in ClinVar:

NM_015978.3(TNNI3K):c.19A>G (p.Arg7Gly)

Genes: FPGT-TNNI3K (FPGT-TNNI3K readthrough; plus strand), TNNI3K (TNNI3 interacting kinase; plus strand). Cytogenetic location: 1p31.1.
Variant type: single nucleotide variant.
Coding change: c.19A>G on transcript NM_015978.3 (MANE Select); coding-DNA position 19, A replaced by G.
Protein change: p.Arg7Gly; replaces arginine 7 with glycine.
Molecular consequence: missense variant. On other transcripts: intron variant (2).
Genome position (GRCh38, 1-based): chr1:74,235,470, A>G. VCF-style: chr1-74235470-A-G. GRCh37 (hg19) VCF-style: chr1-74701154-A-G.
Other names: c.344-632A>G (NM_001112808.3, NM_001199327.2); short protein forms R7G.
Identifiers: ClinVar variation 3068706 (VCV003068706.2), dbSNP rs2524304033, ClinGen allele CA340786796.

ClinVar aggregate classification (germline): Uncertain significance. Review status: criteria provided, multiple submitters, no conflicts (2 of 4 stars). 2 submissions from 2 submitters: Uncertain significance (2). Last evaluated 2026-01-18.

Conditions:
Atrial conduction disease. Identifiers: Orphanet 436242, MedGen CN221670, MONDO:0014500.

Allele frequency attached by ClinVar (database versions not stated): gnomAD exomes 0.00001.
gnomAD v4.1: 10 of 1,514,934 alleles (0.00066%); highest among the groups gnomAD compares: Non-Finnish European, 0.00081%; no homozygotes.

Submissions (2):

Labcorp Genetics (formerly Invitae), Labcorp
Classification: Uncertain significance. Last evaluated: 2026-01-18. Review status: criteria provided, single submitter. Criteria: Invitae Variant Classification Sherloc (09022015). Collection method: clinical testing. Allele origin: germline.
Comment: This sequence change replaces arginine, which is basic and polar, with glycine, which is neutral and non-polar, at codon 7 of the TNNI3K protein (p.Arg7Gly). This variant is not present in population databases (gnomAD no frequency). This variant has not been reported in the literature in individuals affected with TNNI3K-related conditions. ClinVar contains an entry for this variant (Variation ID: 3068706). An algorithm developed to predict the effect of missense changes on protein structure and function (PolyPhen-2) suggests that this variant is likely to be disruptive. In summary, the available evidence is currently insufficient to determine the role of this variant in disease. Therefore, it has been classified as a Variant of Uncertain Significance.

Molecular Genetics, Royal Melbourne Hospital
Classification: Uncertain significance for Atrial conduction disease. Last evaluated: 2024-01-05. Review status: criteria provided, single submitter. Criteria: ACMG Guidelines, 2015. Collection method: clinical testing. Allele origin: germline. Inheritance: Autosomal dominant inheritance.
Comment: This sequence change in TNNI3K is predicted to replace arginine with glycine at codon 7, p.(Arg7Gly). The arginine residue is highly conserved (100 vertebrates, UCSC), and is located in the L-fucokinase domain. There is a large physicochemical difference between arginine and glycine. The highest population minor allele frequency in the population database gnomAD v4.0 is 0.0004% (9/1,038,132 alleles) in the European non-Finnish population. To our knowledge, this variant has not been previously reported in the relevant scientific literature or databases. Computational evidence is uninformative for the missense substitution (REVEL = 0.575). Based on the classification scheme RMH Modified ACMG/AMP Guidelines v1.6.1, this variant is classified as a VARIANT OF UNCERTAIN SIGNIFICANCE. Following criteria are met: PM2_Supporting